The following is an entry in ClinVar:

NM_001040108.2(MLH3):c.3523A>C (p.Ile1175Leu)

Gene: MLH3 (mutL homolog 3; minus strand). Cytogenetic location: 14q24.3.
Variant type: single nucleotide variant.
Coding change: c.3523A>C on transcript NM_001040108.2 (MANE Select); coding-DNA position 3523, A replaced by C.
Protein change: p.Ile1175Leu; replaces isoleucine 1175 with leucine.
Molecular consequence: missense variant.
Genome position (GRCh38, 1-based): chr14:75,039,958, T>G on the plus strand (A>C on the coding strand, the complement: MLH3 is on the minus strand). VCF-style: chr14-75039958-T-G. GRCh37 (hg19) VCF-style: chr14-75506661-T-G.
Other names: c.3523A>C, p.Ile1175Leu (NM_014381.3); short protein forms I1175L.
Identifiers: ClinVar variation 4841826 (VCV004841826.1).

ClinVar aggregate classification (germline): Uncertain significance (1 of 4 stars; one submission).

Submission:

Ambry Genetics
Classification: Uncertain significance. Last evaluated: 2025-12-20. Review status: criteria provided, single submitter. Criteria: Ambry Variant Classification Scheme 2023. Collection method: clinical testing. Allele origin: germline.
Comment: The p.I1175L variant (also known as c.3523A>C), located in coding exon 4 of the MLH3 gene, results from an A to C substitution at nucleotide position 3523. The isoleucine at codon 1175 is replaced by leucine, an amino acid with highly similar properties. This amino acid position is conserved. In addition, this alteration is predicted to be tolerated by in silico analysis. Based on the available evidence, the clinical significance of this variant remains unclear.